The following is an entry in ClinVar:

NM_015474.4(SAMHD1):c.1593G>C (p.Arg531Ser)

Gene: SAMHD1 (SAM and HD domain containing deoxynucleoside triphosphate triphosphohydrolase 1; minus strand). Cytogenetic location: 20q11.23.
Variant type: single nucleotide variant.
Coding change: c.1593G>C on transcript NM_015474.4 (MANE Select); coding-DNA position 1593, G replaced by C.
Protein change: p.Arg531Ser; replaces arginine 531 with serine.
Molecular consequence: missense variant. On other transcripts: intron variant (1).
Genome position (GRCh38, 1-based): chr20:36,898,455, C>G on the plus strand (G>C on the coding strand, the complement: SAMHD1 is on the minus strand). VCF-style: chr20-36898455-C-G. GRCh37 (hg19) VCF-style: chr20-35526858-C-G.
Other names: p.Arg531Ser; c.1593G>C, p.Arg531Ser (NM_001363733.2); c.1504-496G>C (NM_001363729.2); short protein forms R531S.
Identifiers: ClinVar variation 338342 (VCV000338342.62), dbSNP rs145735112, ClinGen allele CA9844464.

ClinVar aggregate classification (germline): Conflicting classifications of pathogenicity. Review status: criteria provided, conflicting classifications (1 of 4 stars). 12 submissions from 11 submitters: Uncertain significance (7); Benign (1); Likely benign (3). 1 of the submissions does not count toward it. Last evaluated 2026-02-04.

Conditions:
Aicardi Goutieres syndrome (AGS). Also called: Encephalopathy, familial infantile, with calcification of basal ganglia and chronic cerebrospinal fluid lymphocytosis. Identifiers: Orphanet 51, MedGen C0393591, MONDO:0018866.
Inborn genetic diseases. Identifiers: MedGen C0950123, MeSH D030342.
Aicardi-Goutieres syndrome 5. Identifiers: Orphanet 51, MedGen C2749659, MONDO:0013059, OMIM 612952.
Chilblain lupus 2 (CHBL2). Identifiers: MedGen C3280721, MONDO:0013739, OMIM 614415.

Allele frequency attached by ClinVar (database versions not stated): TOPMed 0.00037; gnomAD 0.00038 and 0.00041; ExAC 0.00049; gnomAD exomes 0.00049; ESP Exome Variant Server 0.00054.
gnomAD v4.1: 950 of 1,613,054 alleles (0.059%); highest among the groups gnomAD compares: Non-Finnish European, 0.074%; no homozygotes.

Submissions (12):

Labcorp Genetics (formerly Invitae), Labcorp
Classification: Likely benign for Aicardi-Goutieres syndrome 5. Last evaluated: 2026-02-04. Review status: criteria provided, single submitter. Criteria: Invitae Variant Classification Sherloc (09022015). Collection method: clinical testing. Allele origin: germline.

Ambry Genetics
Classification: Uncertain significance for Inborn genetic diseases. Last evaluated: 2025-08-10. Review status: criteria provided, single submitter. Criteria: Ambry Variant Classification Scheme 2023. Collection method: clinical testing. Allele origin: germline.

Mayo Clinic Laboratories, Mayo Clinic
Classification: Uncertain significance. Last evaluated: 2025-07-24. Review status: criteria provided, single submitter. Criteria: ACMG Guidelines, 2015. Collection method: clinical testing. Allele origin: germline. Observed: 2 variant alleles.
Comment: BP4

Women's Health and Genetics/Laboratory Corporation of America, LabCorp
Classification: Likely benign. Last evaluated: 2025-05-28. Review status: criteria provided, single submitter. Criteria: LabCorp Variant Classification Summary - May 2015. Collection method: clinical testing. Allele origin: germline.
Comment: Variant summary: SAMHD1 c.1593G>C (p.Arg531Ser) results in a non-conservative amino acid change in the encoded protein sequence. Algorithms developed to predict the effect of missense changes on protein structure and function are either unavailable or do not agree on the potential impact of this missense change. The variant allele was found at a frequency of 0.00049 in 251410 control chromosomes. The observed variant frequency is approximately 1 fold of the estimated maximal expected allele frequency for a pathogenic variant in SAMHD1 causing Aicardi Goutieres Syndrome phenotype (0.0004). To our knowledge, no occurrence of c.1593G>C in individuals affected with Aicardi Goutieres Syndrome and no experimental evidence demonstrating its impact on protein function have been reported. ClinVar contains an entry for this variant (Variation ID: 338342). Based on the evidence outlined above, the variant was classified as likely benign.

Blueprint Genetics
Classification: Likely benign. Last evaluated: 2024-09-30. Review status: criteria provided, single submitter. Criteria: ACMG Guidelines, 2015. Collection method: clinical testing. Allele origin: germline.

GeneDx
Classification: Uncertain significance. Last evaluated: 2024-03-24. Review status: criteria provided, single submitter. Criteria: GeneDx Variant Classification Process June 2021. Collection method: clinical testing. Allele origin: germline. Affected: yes.
Comment: Has not been previously published as pathogenic or benign to our knowledge; In silico analysis supports that this missense variant does not alter protein structure/function; This variant is associated with the following publications: (PMID: 36311265)

Revvity Omics, Revvity
Classification: Uncertain significance. Last evaluated: 2022-05-05. Review status: criteria provided, single submitter. Criteria: ACMG Guidelines, 2015. Collection method: clinical testing. Allele origin: germline.

Institute for Clinical Genetics, University Hospital TU Dresden, University Hospital TU Dresden
Classification: Uncertain significance. Last evaluated: 2021-11-03. Review status: criteria provided, single submitter. Criteria: ACMG Guidelines, 2015. Collection method: clinical testing. Allele origin: germline.

CeGaT Center for Human Genetics Tuebingen
Classification: Uncertain significance. Last evaluated: 2021-07-01. Review status: criteria provided, single submitter. Criteria: CeGaT Center For Human Genetics Tuebingen Variant Classification Criteria Version 2. Collection method: clinical testing. Allele origin: germline. Affected: yes. Observed: 3 variant alleles.

Illumina Laboratory Services, Illumina
Classification: Benign for Chilblain lupus 2. Last evaluated: 2018-01-12. Review status: criteria provided, single submitter. Criteria: ICSL Variant Classification Criteria 13 December 2019. Collection method: clinical testing. Allele origin: germline.
Comment: This variant was observed in the ICSL laboratory as part of a predisposition screen in an ostensibly healthy population. It had not been previously curated by ICSL or reported in the Human Gene Mutation Database (HGMD: prior to June 1st, 2018), and was therefore a candidate for classification through an automated scoring system. Utilizing variant allele frequency, disease prevalence and penetrance estimates, and inheritance mode, an automated score was calculated to assess if this variant is too frequent to cause the disease. Based on the score and internal cut-off values, a variant classified as benign is not then subjected to further curation. The score for this variant resulted in a classification of benign for this disease.

Illumina Laboratory Services, Illumina
Classification: Uncertain significance for Aicardi-Goutieres syndrome 5. Last evaluated: 2018-01-12. Review status: criteria provided, single submitter. Criteria: ICSL Variant Classification Criteria 13 December 2019. Collection method: clinical testing. Allele origin: germline.

Natera, Inc.
Classification: Uncertain significance for Aicardi-Goutieres syndrome. Last evaluated: 2020-01-24. Review status: no assertion criteria provided. Collection method: clinical testing. Allele origin: germline. Not counted in ClinVar's aggregate classification.

Literature cited by the submitters: PubMed 36311265 (cited by Mayo Clinic Laboratories, Mayo Clinic).